The following is an entry in ClinVar:

NM_080680.3(COL11A2):c.1457G>A (p.Arg486His)

Gene: COL11A2 (collagen type XI alpha 2 chain; minus strand). Cytogenetic location: 6p21.32.
Variant type: single nucleotide variant.
Coding change: c.1457G>A on transcript NM_080680.3 (MANE Select); coding-DNA position 1457, G replaced by A.
Protein change: p.Arg486His; replaces arginine 486 with histidine.
Molecular consequence: missense variant.
Genome position (GRCh38, 1-based): chr6:33,179,477, C>T on the plus strand (G>A on the coding strand, the complement: COL11A2 is on the minus strand). VCF-style: chr6-33179477-C-T. GRCh37 (hg19) VCF-style: chr6-33147254-C-T.
Other names: c.1136G>A, p.Arg379His (NM_080679.3); c.1199G>A, p.Arg400His (NM_080681.3); c.1457G>A (NM_080680.2); short protein forms R379H, R486H, R400H.
Identifiers: ClinVar variation 2197467 (VCV002197467.6), dbSNP rs148825215, ClinGen allele CA3751340.
Genomic context (GRCh38, chr6:33,179,477, plus strand): 5'-CCCTGCTCACTCACCAAGGGTCCAGGGCGCCCTGTGTATCCCATGGGGCCAGGGGGTCCA[C>T]GGAGCGCCAGCTAGGGGAGCAGGGGGACAGCAGAGCTGAGGGACAGGCAGTGGGAACCCC-3'
Protein context (NP_542411.2, residues 476-496): AILQQARLAL[Arg486His]GPPGPMGYTG

ClinVar aggregate classification (germline): Conflicting classifications of pathogenicity. Review status: criteria provided, conflicting classifications (1 of 4 stars). 3 submissions from 3 submitters: Uncertain significance (2); Likely benign (1). Last evaluated 2025-12-04.

Allele frequency attached by ClinVar (database versions not stated): gnomAD exomes 0.00001; gnomAD 0.00003; ExAC 0.00010; ESP Exome Variant Server 0.00012.
gnomAD v4.1: 23 of 1,563,956 alleles (0.0015%); highest among the groups gnomAD compares: Admixed American, 0.0038%; no homozygotes.

Submissions (3):

Labcorp Genetics (formerly Invitae), Labcorp
Classification: Likely benign. Last evaluated: 2025-12-04. Review status: criteria provided, single submitter. Criteria: Invitae Variant Classification Sherloc (09022015). Collection method: clinical testing. Allele origin: germline.

GeneDx
Classification: Uncertain significance. Last evaluated: 2025-04-17. Review status: criteria provided, single submitter. Criteria: GeneDx Variant Classification Process June 2021. Collection method: clinical testing. Allele origin: germline. Affected: yes.
Comment: In silico analysis supports that this missense variant has a deleterious effect on protein structure/function; Has not been previously published as pathogenic or benign to our knowledge

Women's Health and Genetics/Laboratory Corporation of America, LabCorp
Classification: Uncertain significance. Last evaluated: 2024-09-09. Review status: criteria provided, single submitter. Criteria: LabCorp Variant Classification Summary - May 2015. Collection method: clinical testing. Allele origin: germline.
Comment: Variant summary: COL11A2 c.1457G>A (p.Arg486His) results in a non-conservative amino acid change in the encoded protein sequence. Four of five in-silico tools predict a damaging effect of the variant on protein function. The variant allele was found at a frequency of 2.4e-05 in 167612 control chromosomes. The available data on variant occurrences in the general population are insufficient to allow any conclusion about variant significance. To our knowledge, no occurrence of c.1457G>A in individuals affected with COL11A2-Related Disorders and no experimental evidence demonstrating its impact on protein function have been reported. ClinVar contains an entry for this variant (Variation ID: 2197467). Based on the evidence outlined above, the variant was classified as uncertain significance.